The following is an entry in ClinVar:

NM_003072.5(SMARCA4):c.4634T>C (p.Leu1545Pro)

Gene: SMARCA4 (SWI/SNF related BAF chromatin remodeling complex subunit ATPase 4; plus strand). Cytogenetic location: 19p13.2.
Variant type: single nucleotide variant.
Coding change: c.4634T>C on transcript NM_003072.5 (MANE Select); coding-DNA position 4634, T replaced by C.
Protein change: p.Leu1545Pro; replaces leucine 1545 with proline.
Molecular consequence: missense variant. On other transcripts: non-coding transcript variant (1).
Genome position (GRCh38, 1-based): chr19:11,058,888, T>C. VCF-style: chr19-11058888-T-C. GRCh37 (hg19) VCF-style: chr19-11169564-T-C.
Other names: c.4634T>C, p.Leu1545Pro (NM_001128844.3); c.4544T>C, p.Leu1515Pro (NM_001128845.2); c.4541T>C, p.Leu1514Pro (NM_001128846.2); c.4535T>C, p.Leu1512Pro (NM_001128847.4, NM_001374457.1); c.4532T>C, p.Leu1511Pro (NM_001128848.2); c.4730T>C, p.Leu1577Pro (NM_001128849.3, NM_001387283.1); c.4631T>C, p.Leu1544Pro (NM_001411150.1); short protein forms L1515P, L1544P, L1577P, L1511P, L1512P, L1514P, L1545P.
Identifiers: ClinVar variation 4719713 (VCV004719713.1).

ClinVar aggregate classification (germline): Uncertain significance (1 of 4 stars; one submission).

Conditions:
Rhabdoid tumor predisposition syndrome 2 (RTPS2). Identifiers: Orphanet 231108, Orphanet 69077, MedGen C2750074, MONDO:0013224, OMIM 613325.

Submission:

Labcorp Genetics (formerly Invitae), Labcorp
Classification: Uncertain significance for Rhabdoid tumor predisposition syndrome 2. Last evaluated: 2025-05-21. Review status: criteria provided, single submitter. Criteria: Invitae Variant Classification Sherloc (09022015). Collection method: clinical testing. Allele origin: germline.
Comment: This sequence change replaces leucine, which is neutral and non-polar, with proline, which is neutral and non-polar, at codon 1577 of the SMARCA4 protein (p.Leu1577Pro). This variant is not present in population databases (gnomAD no frequency). This variant has not been reported in the literature in individuals affected with SMARCA4-related conditions. An algorithm developed to predict the effect of missense changes on protein structure and function (PolyPhen-2) suggests that this variant is likely to be disruptive. In summary, the available evidence is currently insufficient to determine the role of this variant in disease. Therefore, it has been classified as a Variant of Uncertain Significance.